The following is an entry in ClinVar:

NM_152564.5(VPS13B):c.3957T>A (p.Ser1319Arg)

Gene: VPS13B (vacuolar protein sorting 13 homolog B; plus strand). Cytogenetic location: 8q22.2.
Variant type: single nucleotide variant.
Coding change: c.3957T>A on transcript NM_152564.5 (MANE Select); coding-DNA position 3957, T replaced by A.
Protein change: p.Ser1319Arg; replaces serine 1319 with arginine.
Molecular consequence: missense variant.
Genome position (GRCh38, 1-based): chr8:99,501,773, T>A. VCF-style: chr8-99501773-T-A. GRCh37 (hg19) VCF-style: chr8-100514001-T-A.
Other names: c.3957T>A, p.Ser1319Arg (NM_017890.5); c.3957T>A (NM_152564.4); short protein forms S1319R.
Identifiers: ClinVar variation 1005770 (VCV001005770.7), dbSNP rs1821244952, ClinGen allele CA371869515.

ClinVar aggregate classification (germline): Uncertain significance. Review status: criteria provided, single submitter (1 of 4 stars). 2 submissions from 2 submitters: Uncertain significance (1). 1 of the submissions does not count toward it. Last evaluated 2022-04-26.

Conditions:
VPS13B-related disorder. Also called: VPS13B-related condition.
Cohen syndrome (COH1). Also called: PEPPER SYNDROME; Cutis verticis gyrata, retinitis pigmentosa, and sensorineural deafness. Identifiers: Orphanet 193, MedGen C0265223, MONDO:0008999, OMIM 216550.

Allele frequency attached by ClinVar (database versions not stated): gnomAD exomes below 0.00001; TOPMed below 0.00001.
gnomAD v4.1: 1 of 1,614,088 alleles (0.000062%); highest among the groups gnomAD compares: Non-Finnish European, 0.000085%; no homozygotes.

Submissions (2):

Labcorp Genetics (formerly Invitae), Labcorp
Classification: Uncertain significance for Cohen syndrome. Last evaluated: 2022-04-26. Review status: criteria provided, single submitter. Criteria: Invitae Variant Classification Sherloc (09022015). Collection method: clinical testing. Allele origin: germline.
Comment: This sequence change replaces serine, which is neutral and polar, with arginine, which is basic and polar, at codon 1319 of the VPS13B protein (p.Ser1319Arg). This variant is not present in population databases (gnomAD no frequency). This variant has not been reported in the literature in individuals affected with VPS13B-related conditions. ClinVar contains an entry for this variant (Variation ID: 1005770). Algorithms developed to predict the effect of missense changes on protein structure and function are either unavailable or do not agree on the potential impact of this missense change (SIFT: "Not Available"; PolyPhen-2: "Benign"; Align-GVGD: "Not Available"). In summary, the available evidence is currently insufficient to determine the role of this variant in disease. Therefore, it has been classified as a Variant of Uncertain Significance.

PreventionGenetics, part of Exact Sciences
Classification: Uncertain significance for VPS13B-related condition. Last evaluated: 2024-07-10. Review status: no assertion criteria provided. Collection method: clinical testing. Allele origin: germline. Not counted in ClinVar's aggregate classification.
Comment: The VPS13B c.3957T>A variant is predicted to result in the amino acid substitution p.Ser1319Arg. To our knowledge, this variant has not been reported in the literature or in a large population database, indicating this variant is rare. At this time, the clinical significance of this variant is uncertain due to the absence of conclusive functional and genetic evidence.